The following is an entry in ClinVar:

ClinVar aggregate classification (germline): Likely pathogenic (1 of 4 stars; one submission).

Conditions:
Hereditary cancer-predisposing syndrome. Also called: Neoplastic Syndromes, Hereditary; Tumor predisposition; Hereditary Cancer Syndrome; Hereditary neoplastic syndrome. Identifiers: Orphanet 140162, MedGen C0027672, MeSH D009386, MONDO:0015356.

Submission:

Ambry Genetics
Classification: Likely pathogenic for Hereditary cancer-predisposing syndrome. Last evaluated: 2026-03-11. Review status: criteria provided, single submitter. Criteria: Ambry Variant Classification Scheme 2023. Collection method: clinical testing. Allele origin: germline.
Comment: The c.684-4_684-2delCTA intronic variant, located in intron 4 of the CHEK2 gene, results from a deletion of 3 nucleotides within intron 4 of the CHEK2 gene. This nucleotide region is generally well conserved in available vertebrate species. In silico splice site analysis predicts that this alteration will weaken the native splice acceptor site and may result in the creation or strengthening of a novel splice acceptor site. This variant is considered to be rare based on population cohorts in the Genome Aggregation Database (gnomAD). Based on the majority of available evidence to date, this variant is likely to be pathogenic.

NM_007194.4(CHEK2):c.684-4_684-2del

Gene: CHEK2 (checkpoint kinase 2; minus strand). Cytogenetic location: 22q12.1.
Variant type: Deletion.
Coding change: c.684-4_684-2del on transcript NM_007194.4 (MANE Select); 4 bases into the intron before coding-DNA position 684 through the canonical splice acceptor site of the intron before coding-DNA position 684, 3 bases deleted (CTA; older notation c.684-4_684-2delCTA).
Molecular consequence: splice acceptor variant.
Genome position (GRCh38, 1-based): chr22:28,712,019-28,712,021, TAG deleted on the plus strand (CTA on the coding strand, the reverse complement: CHEK2 is on the minus strand). VCF-style (leftmost placement, unchanged base first): chr22-28712018-CTAG-C. GRCh37 (hg19) VCF-style: chr22-29108006-CTAG-C.
Other names: c.777-4_777-2del (NM_001438293.1, NM_001438295.1); c.813-4_813-2del (NM_001438294.1, NM_001005735.3); c.21-4_21-2del (NM_001437942.1, NM_001257387.3); c.483-4_483-2del (NM_001349956.3); c.684-4_684-2del (NM_145862.3); c.684-4_684-2delCTA (NM_007194.3).
Identifiers: ClinVar variation 4827087 (VCV004827087.1).